The following is an entry in ClinVar:

NM_014795.4(ZEB2):c.2495C>T (p.Ala832Val)

Gene: ZEB2 (zinc finger E-box binding homeobox 2; minus strand). Cytogenetic location: 2q22.3.
Variant type: single nucleotide variant.
Coding change: c.2495C>T on transcript NM_014795.4 (MANE Select); coding-DNA position 2495, C replaced by T.
Protein change: p.Ala832Val; replaces alanine 832 with valine.
Molecular consequence: missense variant.
Genome position (GRCh38, 1-based): chr2:144,398,692, G>A on the plus strand (C>T on the coding strand, the complement: ZEB2 is on the minus strand). VCF-style: chr2-144398692-G-A. GRCh37 (hg19) VCF-style: chr2-145156259-G-A.
Other names: c.2423C>T, p.Ala808Val (NM_001171653.2); c.2495C>T (NM_014795.3); short protein forms A832V, A808V.
Identifiers: ClinVar variation 2991195 (VCV002991195.4), dbSNP rs730881179, ClinGen allele CA348708150.
Genomic context (GRCh38, chr2:144,398,692, plus strand): 5'-GAGGAAGAAACACTGTTATGATCTAAACTGATGCTACTAGCTTTTGTTTTGTTCTTTGTG[G>A]CTATAATACTTTTGGGTTCTTTCATTTGTTTTGGTAATGACAAGTCTAAAGGCTCAGCCT-3'
Protein context (NP_055610.1, residues 822-842): KQMKEPKSII[Ala832Val]TKNKTKASSI

ClinVar aggregate classification (germline): Uncertain significance. Review status: criteria provided, multiple submitters, no conflicts (2 of 4 stars). 2 submissions from 2 submitters: Uncertain significance (2). Last evaluated 2025-10-29.

Conditions:
Mowat-Wilson syndrome (MOWS). Also called: Classic Mowat-Wilson Syndrome. Identifiers: Orphanet 2152, MedGen C1856113, MONDO:0009341, OMIM 235730.
Inborn genetic diseases. Identifiers: MedGen C0950123, MeSH D030342.

gnomAD v4.1: 3 of 1,614,022 alleles (0.00019%); highest among the groups gnomAD compares: South Asian, 0.0033%; no homozygotes.

Submissions (2):

Ambry Genetics
Classification: Uncertain significance for Inborn genetic diseases. Last evaluated: 2025-10-29. Review status: criteria provided, single submitter. Criteria: Ambry Variant Classification Scheme 2023. Collection method: clinical testing. Allele origin: germline.

Labcorp Genetics (formerly Invitae), Labcorp
Classification: Uncertain significance for Mowat-Wilson syndrome. Last evaluated: 2023-06-10. Review status: criteria provided, single submitter. Criteria: Invitae Variant Classification Sherloc (09022015). Collection method: clinical testing. Allele origin: germline.
Comment: In summary, the available evidence is currently insufficient to determine the role of this variant in disease. Therefore, it has been classified as a Variant of Uncertain Significance. An algorithm developed to predict the effect of missense changes on protein structure and function (PolyPhen-2) suggests that this variant is likely to be tolerated. This variant has not been reported in the literature in individuals affected with ZEB2-related conditions. This variant is not present in population databases (gnomAD no frequency). This sequence change replaces alanine, which is neutral and non-polar, with valine, which is neutral and non-polar, at codon 832 of the ZEB2 protein (p.Ala832Val).